The following is an entry in ClinVar:

ClinVar aggregate classification (germline): Likely benign (1 of 4 stars; one submission).

Allele frequency attached by ClinVar (database versions not stated): gnomAD exomes below 0.00001.
gnomAD v4.1: 1 of 1,196,974 alleles (0.000084%); highest among the groups gnomAD compares: Non-Finnish European, 0.00011%; no homozygotes.

Submission:

GeneDx
Classification: Likely benign. Last evaluated: 2017-03-20. Review status: criteria provided, single submitter. Criteria: GeneDx Variant Classification (06012015). Collection method: clinical testing. Allele origin: germline. Affected: yes.
Comment: This variant is considered likely benign or benign based on one or more of the following criteria: it is a conservative change, it occurs at a poorly conserved position in the protein, it is predicted to be benign by multiple in silico algorithms, and/or has population frequency not consistent with disease.

NM_001365536.1(SCN9A):c.2875-18C>T

Genes: SCN1A-AS1 (SCN1A and SCN9A antisense RNA 1; plus strand), SCN9A (sodium voltage-gated channel alpha subunit 9; minus strand). Cytogenetic location: 2q24.3.
Variant type: single nucleotide variant.
Coding change: c.2875-18C>T on transcript NM_001365536.1 (MANE Select); 18 bases into the intron before coding-DNA position 2875, C replaced by T.
Molecular consequence: intron variant.
Genome position (GRCh38, 1-based): chr2:166,272,893, G>A on the plus strand (C>T on the coding strand, the complement: SCN9A is on the minus strand). VCF-style: chr2-166272893-G-A. GRCh37 (hg19) VCF-style: chr2-167129403-G-A.
Other names: c.2842-18C>T (NM_002977.4).
Identifiers: ClinVar variation 517805 (VCV000517805.1), dbSNP rs1553486847, ClinGen allele CA658795950.
Genomic context (GRCh38, chr2:166,272,893, plus strand): 5'-AACTAAATGAGCTCAATAATAAGGCCAGAAATAGGTTTAGGACCTATATCAGGGTGGGGA[G>A]AGGGGGTAGAGAAATAGGGAGACAGGAAATATAAAAAATAAAATAAAATAAGTACACTTT-3'